The following is an entry in ClinVar:

NM_002336.3(LRP6):c.4577C>T (p.Ala1526Val)

Gene: LRP6 (LDL receptor related protein 6; minus strand). Cytogenetic location: 12p13.2.
Variant type: single nucleotide variant.
Coding change: c.4577C>T on transcript NM_002336.3 (MANE Select); coding-DNA position 4577, C replaced by T.
Protein change: p.Ala1526Val; replaces alanine 1526 with valine.
Molecular consequence: missense variant. On other transcripts: 3 prime UTR variant (1), non-coding transcript variant (1).
Genome position (GRCh38, 1-based): chr12:12,121,391, G>A on the plus strand (C>T on the coding strand, the complement: LRP6 is on the minus strand). VCF-style: chr12-12121391-G-A. GRCh37 (hg19) VCF-style: chr12-12274325-G-A.
Other names: c.4670C>T, p.Ala1557Val (NM_001414244.1); c.4577C>T, p.Ala1526Val (NM_001414245.1); c.4442C>T, p.Ala1481Val (NM_001414246.1); c.4379C>T, p.Ala1460Val (NM_001414247.1); c.*53C>T (NM_001414248.1); c.4214C>T, p.Ala1405Val (NM_001414251.1); c.4124C>T, p.Ala1375Val (NM_001414252.1, NM_001414253.1, NM_001414254.1); c.4070C>T, p.Ala1357Val (NM_001414255.1); short protein forms A1357V, A1375V, A1460V, A1557V, A1481V, A1405V, A1526V.
Identifiers: ClinVar variation 4776028 (VCV004776028.1).

ClinVar aggregate classification (germline): Uncertain significance (1 of 4 stars; one submission).

gnomAD v4.1: 5 of 1,614,136 alleles (0.00031%); highest among the groups gnomAD compares: Non-Finnish European, 0.00042%; no homozygotes.

Submission:

Labcorp Genetics (formerly Invitae), Labcorp
Classification: Uncertain significance. Last evaluated: 2025-05-04. Review status: criteria provided, single submitter. Criteria: Invitae Variant Classification Sherloc (09022015). Collection method: clinical testing. Allele origin: germline.
Comment: This sequence change replaces alanine, which is neutral and non-polar, with valine, which is neutral and non-polar, at codon 1526 of the LRP6 protein (p.Ala1526Val). This variant is present in population databases (rs770394008, gnomAD 0.004%). This variant has not been reported in the literature in individuals affected with LRP6-related conditions. Invitae Evidence Modeling of protein sequence and biophysical properties (such as structural, functional, and spatial information, amino acid conservation, physicochemical variation, residue mobility, and thermodynamic stability) indicates that this missense variant is not expected to disrupt LRP6 protein function with a negative predictive value of 80%. In summary, the available evidence is currently insufficient to determine the role of this variant in disease. Therefore, it has been classified as a Variant of Uncertain Significance.